The following is an entry in ClinVar:

ClinVar aggregate classification (germline): Uncertain significance (1 of 4 stars; one submission).

Submission:

GeneDx
Classification: Uncertain significance. Last evaluated: 2025-02-09. Review status: criteria provided, single submitter. Criteria: GeneDx Variant Classification Process June 2021. Collection method: clinical testing. Allele origin: germline. Affected: yes.
Comment: Published functional studies suggest this variant impacts localization and glycosylation, however additional studies are needed to validate the functional effect of this variant in vivo (PMID: 31960914); In silico analysis indicates that this missense variant does not alter protein structure/function; Not observed at significant frequency in large population cohorts (gnomAD); This variant is associated with the following publications: (PMID: 31960914)

NM_152722.5(HEPACAM):c.263T>A (p.Ile88Asn)

Gene: HEPACAM (hepatic and glial cell adhesion molecule; minus strand). Cytogenetic location: 11q24.2.
Variant type: single nucleotide variant.
Coding change: c.263T>A on transcript NM_152722.5 (MANE Select); coding-DNA position 263, T replaced by A.
Protein change: p.Ile88Asn; replaces isoleucine 88 with asparagine.
Molecular consequence: missense variant.
Genome position (GRCh38, 1-based): chr11:124,924,892, A>T on the plus strand (T>A on the coding strand, the complement: HEPACAM is on the minus strand). VCF-style: chr11-124924892-A-T. GRCh37 (hg19) VCF-style: chr11-124794788-A-T.
Other names: c.263T>A, p.Ile88Asn (NM_001441320.1, NM_001411043.1); short protein forms I88N.
Identifiers: ClinVar variation 4074537 (VCV004074537.1).